The following is an entry in ClinVar:

NM_015158.5(KANK1):c.3058G>A (p.Glu1020Lys)

Gene: KANK1 (KN motif and ankyrin repeat domains 1; plus strand). Cytogenetic location: 9p24.3.
Variant type: single nucleotide variant.
Coding change: c.3058G>A on transcript NM_015158.5 (MANE Select); coding-DNA position 3058, G replaced by A.
Protein change: p.Glu1020Lys; replaces glutamic acid 1020 with lysine.
Molecular consequence: missense variant. On other transcripts: intron variant (5).
Genome position (GRCh38, 1-based): chr9:732,430, G>A. VCF-style: chr9-732430-G-A. GRCh37 (hg19) VCF-style: chr9-732430-G-A.
Other names: c.3058G>A, p.Glu1020Lys (NM_001256876.3, NM_001256877.3, NM_001354334.2); c.3004G>A, p.Glu1002Lys (NM_001354332.2); c.2584G>A, p.Glu862Lys (NM_001354333.2, NM_001354335.2, NM_001354337.2 and 2 more transcripts); c.2530G>A, p.Glu844Lys (NM_001354338.2, NM_001354340.2, NM_001354344.2); c.3005+1164G>A (NM_001354331.2); c.2477+1164G>A (NM_001354336.2); c.2531+1164G>A (NM_001354339.2, NM_001354343.2, NM_001354342.2); short protein forms E1002K, E844K, E862K, E1020K.
Identifiers: ClinVar variation 2593402 (VCV002593402.5), dbSNP rs779713737, ClinGen allele CA4960759.

ClinVar aggregate classification (germline): Uncertain significance. Review status: criteria provided, multiple submitters, no conflicts (2 of 4 stars). 2 submissions from 2 submitters: Uncertain significance (2). Last evaluated 2025-09-02.

Allele frequency attached by ClinVar (database versions not stated): ExAC 0.00002; TOPMed 0.00004; gnomAD exomes 0.00008; gnomAD 0.00002.
gnomAD v4.1: 117 of 1,613,992 alleles (0.0072%); highest among the groups gnomAD compares: African/African-American, 0.0093%; no homozygotes.

Submissions (2):

Labcorp Genetics (formerly Invitae), Labcorp
Classification: Uncertain significance. Last evaluated: 2025-09-02. Review status: criteria provided, single submitter. Criteria: Invitae Variant Classification Sherloc (09022015). Collection method: clinical testing. Allele origin: germline.
Comment: This sequence change replaces glutamic acid, which is acidic and polar, with lysine, which is basic and polar, at codon 1020 of the KANK1 protein (p.Glu1020Lys). This variant is present in population databases (rs779713737, gnomAD 0.007%). This variant has not been reported in the literature in individuals affected with KANK1-related conditions. ClinVar contains an entry for this variant (Variation ID: 2593402). Invitae Evidence Modeling of protein sequence and biophysical properties (such as structural, functional, and spatial information, amino acid conservation, physicochemical variation, residue mobility, and thermodynamic stability) indicates that this missense variant is expected to disrupt KANK1 protein function with a positive predictive value of 80%. In summary, the available evidence is currently insufficient to determine the role of this variant in disease. Therefore, it has been classified as a Variant of Uncertain Significance.

Ambry Genetics
Classification: Uncertain significance. Last evaluated: 2023-08-08. Review status: criteria provided, single submitter. Criteria: Ambry Variant Classification Scheme 2023. Collection method: clinical testing. Allele origin: germline.